The following is an entry in ClinVar:

NM_000383.4(AIRE):c.1220C>G (p.Pro407Arg)

Gene: AIRE (autoimmune regulator; plus strand). Cytogenetic location: 21q22.3.
Variant type: single nucleotide variant.
Coding change: c.1220C>G on transcript NM_000383.4 (MANE Select); coding-DNA position 1220, C replaced by G.
Protein change: p.Pro407Arg; replaces proline 407 with arginine.
Molecular consequence: missense variant.
Genome position (GRCh38, 1-based): chr21:44,293,117, C>G. VCF-style: chr21-44293117-C-G. GRCh37 (hg19) VCF-style: chr21-45713000-C-G.
Other names: short protein forms P407R.
Identifiers: ClinVar variation 1382143 (VCV001382143.6), dbSNP rs2146383548, ClinGen allele CA410425482.

ClinVar aggregate classification (germline): Uncertain significance (1 of 4 stars; one submission).

Conditions:
Polyglandular autoimmune syndrome, type 1 (APS1). Also called: AUTOIMMUNE POLYENDOCRINE SYNDROME, TYPE I, WITH OR WITHOUT REVERSIBLE METAPHYSEAL DYSPLASIA; Whitaker syndrome; Autoimmune polyendocrinopathy syndrome, type I; PGA I; Autoimmune polyendocrine syndrome type 1; HYPOADRENOCORTICISM WITH HYPOPARATHYROIDISM AND SUPERFICIAL MONILIASIS. Identifiers: Orphanet 3453, MedGen C0085859, MONDO:0009411, OMIM 240300.

Submission:

Labcorp Genetics (formerly Invitae), Labcorp
Classification: Uncertain significance for Polyglandular autoimmune syndrome, type 1. Last evaluated: 2021-09-18. Review status: criteria provided, single submitter. Criteria: Invitae Variant Classification Sherloc (09022015). Collection method: clinical testing. Allele origin: germline.
Comment: This sequence change replaces proline with arginine at codon 407 of the AIRE protein (p.Pro407Arg). The proline residue is moderately conserved and there is a moderate physicochemical difference between proline and arginine. This variant is not present in population databases (ExAC no frequency). This variant has not been reported in the literature in individuals affected with AIRE-related conditions. Algorithms developed to predict the effect of missense changes on protein structure and function (SIFT, PolyPhen-2, Align-GVGD) all suggest that this variant is likely to be tolerated. In summary, the available evidence is currently insufficient to determine the role of this variant in disease. Therefore, it has been classified as a Variant of Uncertain Significance.